The following is an entry in ClinVar:

ClinVar aggregate classification (germline): Likely pathogenic (1 of 4 stars; one submission).

Conditions:
Pancytopenia-developmental delay syndrome. Also called: Bone marrow failure syndrome 2. Identifiers: Orphanet 401764, MedGen C3810350, MONDO:0014317, OMIM 615715.

Submission:

Neuberg Centre For Genomic Medicine, NCGM
Classification: Likely pathogenic for Pancytopenia-developmental delay syndrome. Review status: criteria provided, single submitter. Criteria: ACMG Guidelines, 2015. Collection method: clinical testing. Allele origin: germline. Inheritance: Autosomal recessive inheritance. Affected: yes.
Comment: The splice acceptor variant c.1948-1G>A in ERCC6L2 (NM_020207.7) has not been reported previously as a pathogenic variant nor as a benign variant, to our knowledge. The c.1948-1G>A variant is novel (not in any individuals) in gnomAD Exomes and is novel (not in any individuals) in 1000 Genomes. This variant mutates a splice-acceptor sequence, potentially resulting in exon skipping and the production of abnormal proteins. For these reasons, this variant has been classified as Likely Pathogenic.

NM_020207.7(ERCC6L2):c.1948-1G>A

Gene: ERCC6L2 (ERCC excision repair 6 like 2; plus strand). Cytogenetic location: 9q22.32.
Variant type: single nucleotide variant.
Coding change: c.1948-1G>A on transcript NM_020207.7 (MANE Select); the canonical splice acceptor site of the intron before coding-DNA position 1948, G replaced by A.
Molecular consequence: splice acceptor variant.
Genome position (GRCh38, 1-based): chr9:95,966,561, G>A. VCF-style: chr9-95966561-G-A. GRCh37 (hg19) VCF-style: chr9-98728843-G-A.
Other names: c.1948-1G>A (NM_001375291.1, NM_001375292.1, NM_001375294.1 and 2 more transcripts).
Identifiers: ClinVar variation 2627470 (VCV002627470.1), dbSNP rs2490496458, ClinGen allele CA374121642.